The following is an entry in ClinVar:

ClinVar aggregate classification (germline): Uncertain significance (1 of 4 stars; one submission).

Conditions:
Autosomal dominant nonsyndromic hearing loss 1. Also called: KONIGSMARK SYNDROME; DEAFNESS, AUTOSOMAL DOMINANT 1, WITH OR WITHOUT THROMBOCYTOPENIA. Identifiers: Orphanet 90635, MedGen C1852282, MONDO:0007424, OMIM 124900.
Progressive microcephaly-seizures-cortical blindness-developmental delay syndrome. Also called: Seizures, cortical blindness, and microcephaly syndrome. Identifiers: Orphanet 477814, MedGen C5567650, MONDO:0014714, OMIM 616632.

Submission:

Labcorp Genetics (formerly Invitae), Labcorp
Classification: Uncertain significance for Progressive microcephaly-seizures-cortical blindness-developmental delay syndrome; Autosomal dominant nonsyndromic hearing loss 1. Last evaluated: 2025-08-21. Review status: criteria provided, single submitter. Criteria: Invitae Variant Classification Sherloc (09022015). Collection method: clinical testing. Allele origin: germline.
Comment: This sequence change replaces glutamic acid, which is acidic and polar, with glutamine, which is neutral and polar, at codon 186 of the DIAPH1 protein (p.Glu186Gln). This variant is not present in population databases (gnomAD no frequency). This variant has not been reported in the literature in individuals affected with DIAPH1-related conditions. ClinVar contains an entry for this variant (Variation ID: 660508). Experimental studies and prediction algorithms are not available or were not evaluated, and the functional significance of this variant is currently unknown. In summary, the available evidence is currently insufficient to determine the role of this variant in disease. Therefore, it has been classified as a Variant of Uncertain Significance.

NM_005219.5(DIAPH1):c.556G>C (p.Glu186Gln)

Gene: DIAPH1 (diaphanous related formin 1; minus strand). Cytogenetic location: 5q31.3.
Variant type: single nucleotide variant.
Coding change: c.556G>C on transcript NM_005219.5 (MANE Select); coding-DNA position 556, G replaced by C.
Protein change: p.Glu186Gln; replaces glutamic acid 186 with glutamine.
Molecular consequence: missense variant.
Genome position (GRCh38, 1-based): chr5:141,583,270, C>G on the plus strand (G>C on the coding strand, the complement: DIAPH1 is on the minus strand). VCF-style: chr5-141583270-C-G. GRCh37 (hg19) VCF-style: chr5-140962837-C-G.
Other names: c.529G>C, p.Glu177Gln (NM_001079812.3); c.556G>C, p.Glu186Gln (NM_001314007.2); short protein forms E186Q, E177Q.
Identifiers: ClinVar variation 660508 (VCV000660508.9), dbSNP rs1440102285, ClinGen allele CA361541011.